The following is an entry in ClinVar:

NM_005228.5(EGFR):c.22G>C (p.Gly8Arg)

Gene: EGFR (epidermal growth factor receptor; plus strand). Cytogenetic location: 7p11.2.
Variant type: single nucleotide variant.
Coding change: c.22G>C on transcript NM_005228.5 (MANE Select); coding-DNA position 22, G replaced by C.
Protein change: p.Gly8Arg; replaces glycine 8 with arginine.
Molecular consequence: missense variant.
Genome position (GRCh38, 1-based): chr7:55,019,299, G>C. VCF-style: chr7-55019299-G-C. GRCh37 (hg19) VCF-style: chr7-55086992-G-C.
Other names: c.22G>C (NM_005228.3); c.22G>C, p.Gly8Arg (NM_001346897.2, NM_001346898.2, NM_001346899.2 and 4 more transcripts); short protein forms G8R.
Identifiers: ClinVar variation 1035958 (VCV001035958.8), dbSNP rs754259847, ClinGen allele CA367611195.
Genomic context (GRCh38, chr7:55,019,299, plus strand): 5'-TGATCGGGAGAGCCGGAGCGAGCTCTTCGGGGAGCAGCGATGCGACCCTCCGGGACGGCC[G>C]GGGCAGCGCTCCTGGCGCTGCTGGCTGCGCTCTGCCCGGCGAGTCGGGCTCTGGAGGAAA-3'
Protein context (NP_005219.2, residues 1-18): MRPSGTA[Gly8Arg]AALLALLAAL

ClinVar aggregate classification (germline): Conflicting classifications of pathogenicity. Review status: criteria provided, conflicting classifications (1 of 4 stars). 2 submissions from 2 submitters: Uncertain significance (1); Likely benign (1). Last evaluated 2025-01-03.

Conditions:
Hereditary cancer-predisposing syndrome. Also called: Neoplastic Syndromes, Hereditary; Hereditary Cancer Syndrome; Tumor predisposition; Hereditary neoplastic syndrome. Identifiers: Orphanet 140162, MedGen C0027672, MeSH D009386, MONDO:0015356.
EGFR-related lung cancer (EGFR). Identifiers: MedGen CN130014.

Allele frequency attached by ClinVar (database versions not stated): gnomAD 0.00001; TOPMed 0.00001.
gnomAD v4.1: 7 of 1,512,326 alleles (0.00046%); highest among the groups gnomAD compares: Non-Finnish European, 0.00062%; no homozygotes.

Submissions (2):

Ambry Genetics
Classification: Likely benign for Hereditary cancer-predisposing syndrome. Last evaluated: 2025-01-03. Review status: criteria provided, single submitter. Criteria: Ambry Variant Classification Scheme 2023. Collection method: clinical testing. Allele origin: germline.

Labcorp Genetics (formerly Invitae), Labcorp
Classification: Uncertain significance for EGFR-related lung cancer. Last evaluated: 2024-11-19. Review status: criteria provided, single submitter. Criteria: Invitae Variant Classification Sherloc (09022015). Collection method: clinical testing. Allele origin: germline.
Comment: This sequence change replaces glycine, which is neutral and non-polar, with arginine, which is basic and polar, at codon 8 of the EGFR protein (p.Gly8Arg). This variant is not present in population databases (gnomAD no frequency). This variant has not been reported in the literature in individuals affected with EGFR-related conditions. ClinVar contains an entry for this variant (Variation ID: 1035958). An algorithm developed to predict the effect of missense changes on protein structure and function outputs the following: PolyPhen-2: "Benign". The arginine amino acid residue is found in multiple mammalian species, which suggests that this missense change does not adversely affect protein function. In summary, the available evidence is currently insufficient to determine the role of this variant in disease. Therefore, it has been classified as a Variant of Uncertain Significance.